The following is an entry in ClinVar:

NM_173076.3(ABCA12):c.6644_6645del (p.Leu2215fs)

Genes: ABCA12 (ATP binding cassette subfamily A member 12; minus strand), SNHG31 (small nucleolar RNA host gene 31; plus strand). Cytogenetic location: 2q35.
Variant type: Deletion.
Coding change: c.6644_6645del on transcript NM_173076.3 (MANE Select); coding-DNA positions 6644 to 6645, 2 bases deleted (TC; older notation c.6644_6645delTC).
Protein change: p.Leu2215fs; shifts the reading frame from leucine 2215.
Molecular consequence: frameshift variant. On other transcripts: non-coding transcript variant (1).
Genome position (GRCh38, 1-based): chr2:214,953,856-214,953,857, GA deleted on the plus strand (TC on the coding strand, the reverse complement: ABCA12 is on the minus strand); deleting any 2 consecutive bases within chr2:214,953,856-214,953,858 gives the same sequence; the c. name uses the placement nearest the transcript's 3' end. VCF-style (leftmost placement, unchanged base first): chr2-214953855-TGA-T. GRCh37 (hg19) VCF-style: chr2-215818579-TGA-T.
Other names: c.5690_5691del, p.Leu1897fs (NM_015657.4); short protein forms L1897fs, L2215fs.
Identifiers: ClinVar variation 2836312 (VCV002836312.3), dbSNP rs2469155156, ClinGen allele CA2739279952.
Genomic context (GRCh38, chr2:214,953,855, plus strand): 5'-CAATAGGTTGAATTGAGTTCTGTTTTAGATGTCAAACGTTATGTTTTCATTATATTTACC[TGA>T]GTTTCTTTATCAGGGATTCGTTGATTAAGAGTCGCAAGGAAAAAAACATGGTGCCCTGAG-3'

ClinVar aggregate classification (germline): Pathogenic (1 of 4 stars; one submission).

Submission:

Labcorp Genetics (formerly Invitae), Labcorp
Classification: Pathogenic. Last evaluated: 2023-02-11. Review status: criteria provided, single submitter. Criteria: Invitae Variant Classification Sherloc (09022015). Collection method: clinical testing. Allele origin: germline.
Comment: For these reasons, this variant has been classified as Pathogenic. This variant has not been reported in the literature in individuals affected with ABCA12-related conditions. This variant is not present in population databases (gnomAD no frequency). This sequence change creates a premature translational stop signal (p.Leu2215Glnfs*8) in the ABCA12 gene. It is expected to result in an absent or disrupted protein product. Loss-of-function variants in ABCA12 are known to be pathogenic (PMID: 20672373).

Literature cited by the submitters: PubMed 20672373.